The following is an entry in ClinVar:

NM_206933.4(USH2A):c.769G>A (p.Gly257Arg)

Gene: USH2A (usherin; minus strand). Cytogenetic location: 1q41.
Variant type: single nucleotide variant.
Coding change: c.769G>A on transcript NM_206933.4 (MANE Select); coding-DNA position 769, G replaced by A.
Protein change: p.Gly257Arg; replaces glycine 257 with arginine.
Molecular consequence: missense variant.
Genome position (GRCh38, 1-based): chr1:216,364,968, C>T on the plus strand (G>A on the coding strand, the complement: USH2A is on the minus strand). VCF-style: chr1-216364968-C-T. GRCh37 (hg19) VCF-style: chr1-216538310-C-T.
Other names: c.769G>A (NM_206933.2); c.769G>A, p.Gly257Arg (NM_007123.6); short protein forms G257R.
Identifiers: ClinVar variation 2734102 (VCV002734102.6), dbSNP rs2102708440, ClinGen allele CA344907575.
Genomic context (GRCh38, chr1:216,364,968, plus strand): 5'-ATGTAATTGGATGAAATAAATAACATTCTGAAGTCAGAAACTTACCATTTAAACTCTGTC[C>T]TATTTGCACAGTACCAGATGCAAAATCTGTAATTGAACCACTTAGAGTTCTTGCATTGAA-3'
Protein context (NP_996816.3, residues 247-267): TDFASGTVQI[Gly257Arg]QSLNGLEQFV

ClinVar aggregate classification (germline): Pathogenic/Likely pathogenic. Review status: criteria provided, multiple submitters, no conflicts (2 of 4 stars). 3 submissions from 3 submitters: Pathogenic (1); Likely pathogenic (2). Last evaluated 2025-03-24.

Conditions:
USH2A-related disorder. Also called: USH2A-related disorders; USH2A-related condition. Identifiers: MedGen CN239332.
Usher syndrome type 2A. Also called: RETINAL DISEASE IN USHER SYNDROME TYPE IIA, MODIFIER OF; USHER SYNDROME, TYPE IIA. Identifiers: Orphanet 231178, Orphanet 886, MedGen C1848634, MONDO:0010169, OMIM 276901.

Allele frequency attached by ClinVar (database versions not stated): gnomAD exomes below 0.00001.

Submissions (3):

Natera, Inc.
Classification: Likely pathogenic for Usher syndrome type 2A. Last evaluated: 2025-03-24. Review status: criteria provided, single submitter. Criteria: Natera Variant Classification Schema (03/2026). Collection method: clinical testing. Allele origin: germline.
Comment: The c.769G>A variant in USH2A is a missense variant predicted to cause substitution of glycine to arginine at amino acid 257. This variant is rare in the general population with a frequency below the threshold expected for the associated phenotype(s). This variant has been observed in one or more individuals affected with the associated recessive disease, as either homozygous or compound heterozygous with a second variant (PMID: 22135276, 25472526, 32188678). Computational prediction algorithms indicate this variant is likely to affect gene or protein function. Given the available evidence, this variant is classified as Likely Pathogenic.

Labcorp Genetics (formerly Invitae), Labcorp
Classification: Pathogenic. Last evaluated: 2024-08-13. Review status: criteria provided, single submitter. Criteria: Invitae Variant Classification Sherloc (09022015). Collection method: clinical testing. Allele origin: germline.
Comment: This sequence change replaces glycine, which is neutral and non-polar, with arginine, which is basic and polar, at codon 257 of the USH2A protein (p.Gly257Arg). This variant is not present in population databases (gnomAD no frequency). This missense change has been observed in individual(s) with retinitis pigmentosa and/or Usher syndrome (PMID: 22135276, 25472526; Invitae). Invitae Evidence Modeling of protein sequence and biophysical properties (such as structural, functional, and spatial information, amino acid conservation, physicochemical variation, residue mobility, and thermodynamic stability) indicates that this missense variant is expected to disrupt USH2A protein function with a positive predictive value of 95%. For these reasons, this variant has been classified as Pathogenic.

Blueprint Genetics
Classification: Likely pathogenic for USH2A-related disorders. Last evaluated: 2022-08-20. Review status: criteria provided, single submitter. Criteria: ACMG Guidelines, 2015. Collection method: clinical testing. Allele origin: germline. Affected: yes. Observed: 2 variant alleles.

Literature cited by the submitters: PubMed 22135276 (cited by Natera, Inc. and Labcorp Genetics (formerly Invitae), Labcorp); PubMed 25472526 (cited by Natera, Inc. and Labcorp Genetics (formerly Invitae), Labcorp); PubMed 32188678 (cited by Natera, Inc.).